The following is an entry in ClinVar:

ClinVar aggregate classification (germline): Uncertain significance. Review status: criteria provided, single submitter (1 of 4 stars). 2 submissions from 2 submitters: Uncertain significance (1). 1 of the submissions does not count toward it. Last evaluated 2021-08-30.

Conditions:
Glycogen storage disease, type II (IOPD). Also called: Glycogen storage disease type 2; Acid maltase deficiency disease; Aglucosidase alfa; Deficiency of alpha-glucosidase; Deficiency of lysosomal alpha-glucosidase; GSD II. Identifiers: Orphanet 365, MedGen C0017921, MONDO:0009290, OMIM 232300.

Allele frequency attached by ClinVar (database versions not stated): gnomAD exomes below 0.00001.
gnomAD v4.1: 1 of 1,613,404 alleles (0.000062%); highest among the groups gnomAD compares: South Asian, 0.0011%; no homozygotes.

Submissions (2):

Labcorp Genetics (formerly Invitae), Labcorp
Classification: Uncertain significance for Glycogen storage disease, type II. Last evaluated: 2021-08-30. Review status: criteria provided, single submitter. Criteria: Invitae Variant Classification Sherloc (09022015). Collection method: clinical testing. Allele origin: germline.
Comment: This sequence change replaces glycine with cysteine at codon 908 of the GAA protein (p.Gly908Cys). The glycine residue is highly conserved and there is a large physicochemical difference between glycine and cysteine. This variant is not present in population databases (ExAC no frequency). This variant has not been reported in the literature in individuals affected with GAA-related conditions. Algorithms developed to predict the effect of missense changes on protein structure and function are either unavailable or do not agree on the potential impact of this missense change (SIFT: "Deleterious"; PolyPhen-2: "Probably Damaging"; Align-GVGD: "Class C15"). Algorithms developed to predict the effect of sequence changes on RNA splicing suggest that this variant may create or strengthen a splice site. In summary, the available evidence is currently insufficient to determine the role of this variant in disease. Therefore, it has been classified as a Variant of Uncertain Significance.

Natera, Inc.
Classification: Uncertain significance for Glycogen storage disease type II. Last evaluated: 2021-02-09. Review status: no assertion criteria provided. Collection method: clinical testing. Allele origin: germline. Not counted in ClinVar's aggregate classification.

NM_000152.5(GAA):c.2722G>T (p.Gly908Cys)

Gene: GAA (alpha glucosidase; plus strand). Cytogenetic location: 17q25.3.
Variant type: single nucleotide variant.
Coding change: c.2722G>T on transcript NM_000152.5 (MANE Select); coding-DNA position 2722, G replaced by T.
Protein change: p.Gly908Cys; replaces glycine 908 with cysteine.
Molecular consequence: missense variant.
Genome position (GRCh38, 1-based): chr17:80,118,728, G>T. VCF-style: chr17-80118728-G-T. GRCh37 (hg19) VCF-style: chr17-78092527-G-T.
Other names: c.2722G>T, p.Gly908Cys (NM_001079803.3, NM_001079804.3); short protein forms G908C.
Identifiers: ClinVar variation 1021374 (VCV001021374.11), dbSNP rs2039415739, ClinGen allele CA401327005.